The following is an entry in ClinVar:

ClinVar aggregate classification (germline): Uncertain significance (1 of 4 stars; one submission).

Conditions:
Developmental and epileptic encephalopathy, 12 (DEE12). Identifiers: MedGen C3150988, MONDO:0013389, OMIM 613722.

Submission:

Labcorp Genetics (formerly Invitae), Labcorp
Classification: Uncertain significance for Developmental and epileptic encephalopathy, 12. Last evaluated: 2022-04-04. Review status: criteria provided, single submitter. Criteria: Invitae Variant Classification Sherloc (09022015). Collection method: clinical testing. Allele origin: germline.
Comment: This sequence change falls in intron 2 of the PNKP gene. It does not directly change the encoded amino acid sequence of the PNKP protein. It affects a nucleotide within the consensus splice site. This variant is not present in population databases (gnomAD no frequency). This variant has not been reported in the literature in individuals affected with PNKP-related conditions. Variants that disrupt the consensus splice site are a relatively common cause of aberrant splicing (PMID: 17576681, 9536098). Algorithms developed to predict the effect of sequence changes on RNA splicing suggest that this variant is not likely to affect RNA splicing. In summary, the available evidence is currently insufficient to determine the role of this variant in disease. Therefore, it has been classified as a Variant of Uncertain Significance.

Literature cited by the submitters: PubMed 17576681; PubMed 9536098.

NM_007254.4(PNKP):c.151+6C>A

Gene: PNKP (polynucleotide kinase 3'-phosphatase; minus strand). Cytogenetic location: 19q13.33.
Variant type: single nucleotide variant.
Coding change: c.151+6C>A on transcript NM_007254.4 (MANE Select); 6 bases into the intron after coding-DNA position 151, C replaced by A.
Molecular consequence: intron variant.
Genome position (GRCh38, 1-based): chr19:49,867,048, G>T on the plus strand (C>A on the coding strand, the complement: PNKP is on the minus strand). VCF-style: chr19-49867048-G-T. GRCh37 (hg19) VCF-style: chr19-50370305-G-T.
Identifiers: ClinVar variation 2121226 (VCV002121226.4), dbSNP rs1387012816, ClinGen allele CA2340625728.